The following is an entry in ClinVar:

ClinVar aggregate classification (germline): Conflicting classifications of pathogenicity. Review status: criteria provided, conflicting classifications (1 of 4 stars). 2 submissions from 2 submitters: Uncertain significance (1); Likely benign (1). Last evaluated 2023-06-26.

Conditions:
Wilson disease (WND). Also called: Wilson's disease. Identifiers: Orphanet 905, MedGen C0019202, MONDO:0010200, OMIM 277900. Disease mechanism: loss of function.

Allele frequency attached by ClinVar (database versions not stated): gnomAD exomes below 0.00001; TOPMed below 0.00001.
gnomAD v4.1: 1 of 1,614,238 alleles (0.000062%); highest among the groups gnomAD compares: Non-Finnish European, 0.000085%; no homozygotes.

Submissions (2):

All of Us Research Program, National Institutes of Health
Classification: Uncertain significance for Wilson disease. Last evaluated: 2023-06-26. Review status: criteria provided, single submitter. Criteria: ACMG Guidelines, 2015. Collection method: clinical testing. Allele origin: germline. Inheritance: Autosomal recessive inheritance. Observed: 1 variant allele, 1 heterozygote.
Comment: This variant is located in the ATP7B protein. To our knowledge, functional studies have not been reported for this variant. This variant has not been reported in individuals affected with ATP7B-related disorders in the literature. This variant has not been identified in the general population by the Genome Aggregation Database (gnomAD). The available evidence is insufficient to determine the role of this variant in disease conclusively. Therefore, this variant is classified as a Variant of Uncertain Significance.

This study involves interpretation of variants in research participants for the purpose of population health screening. Participant phenotype was not available at the time of variant classification. Additional details can be found in publication PMID: 35346344, PMCID: PMC8962531

Labcorp Genetics (formerly Invitae), Labcorp
Classification: Likely benign for Wilson disease. Last evaluated: 2021-11-09. Review status: criteria provided, single submitter. Criteria: Invitae Variant Classification Sherloc (09022015). Collection method: clinical testing. Allele origin: germline.

NM_000053.4(ATP7B):c.1176G>T (p.Val392=)

Gene: ATP7B (ATPase copper transporting beta; minus strand). Cytogenetic location: 13q14.3.
Variant type: single nucleotide variant.
Coding change: c.1176G>T on transcript NM_000053.4 (MANE Select); coding-DNA position 1176, G replaced by T.
Protein change: p.Val392=; no amino-acid change (valine 392 retained).
Molecular consequence: synonymous variant.
Genome position (GRCh38, 1-based): chr13:51,974,044, C>A on the plus strand (G>T on the coding strand, the complement: ATP7B is on the minus strand). VCF-style: chr13-51974044-C-A. GRCh37 (hg19) VCF-style: chr13-52548180-C-A.
Other names: c.1176G>T, p.Val392= (NM_001005918.3, NM_001330578.2, NM_001330579.2); c.843G>T, p.Val281= (NM_001243182.2).
Identifiers: ClinVar variation 1616191 (VCV001616191.9), dbSNP rs1951977983, ClinGen allele CA484024600.
Genomic context (GRCh38, chr13:51,974,044, plus strand): 5'-TTCTTCTGGGCTAATTACAGAGGGATTATAAAGAACTGTTGCAGTCCCTTCGGCCAAAGA[C>A]ACCGATATTTGCTGCACCCCTTCCAGTTGGGAGATCATGCCTTCAATGGAATGGACACAG-3'
Protein context (NP_000044.2, residues 382-402): SQLEGVQQIS[Val392=]SLAEGTATVL